The following is an entry in ClinVar:

ClinVar aggregate classification (germline): Likely benign (1 of 4 stars; one submission).

Conditions:
LRRC45-related disorder. Also called: LRRC45-related condition.

Submission:

PreventionGenetics, part of Exact Sciences
Classification: Likely benign for LRRC45-related condition. Last evaluated: 2026-03-03. Review status: criteria provided, single submitter. Criteria: ACMG Guidelines, 2015. Collection method: clinical testing. Allele origin: germline.
Comment: This variant is classified as likely benign based on ACMG/AMP sequence variant interpretation guidelines (Richards et al. 2015 PMID: 25741868, with internal and published modifications).

NM_144999.4(LRRC45):c.1239G>A (p.Glu413=)

Gene: LRRC45 (leucine rich repeat containing 45; plus strand). Cytogenetic location: 17q25.3.
Variant type: single nucleotide variant.
Coding change: c.1239G>A on transcript NM_144999.4 (MANE Select); coding-DNA position 1239, G replaced by A.
Protein change: p.Glu413=; no amino-acid change (glutamic acid 413 retained).
Molecular consequence: synonymous variant.
Genome position (GRCh38, 1-based): chr17:82,028,614, G>A. VCF-style: chr17-82028614-G-A. GRCh37 (hg19) VCF-style: chr17-79986490-G-A.
Identifiers: ClinVar variation 4993049 (VCV004993049.1).
Genomic context (GRCh38, chr17:82,028,614, plus strand): 5'-CGGGGGACGGGGGCCCCCAGGGGATGCTCACGCATACTCTGCCCACCCTGGGCTTCCAGA[G>A]CGCCTGGACATGGAGAAGAGAAGATGCAGACAGAGCCTGGAGGACTCCGAAAGCCTGCGC-3'
Protein context (NP_659436.1, residues 403-423): ELKMRAIQAE[Glu413=]RLDMEKRRCR